The following is an entry in ClinVar:

NM_000492.4(CFTR):c.1483del (p.Ser495fs)

Genes: CFTR (CF transmembrane conductance regulator; plus strand), CFTR-AS1 (CFTR antisense RNA 1; minus strand). Cytogenetic location: 7q31.2.
Variant type: Deletion.
Coding change: c.1483del on transcript NM_000492.4 (MANE Select); coding-DNA position 1483, one base deleted (T; older notation c.1483delT).
Protein change: p.Ser495fs; shifts the reading frame from serine 495.
Molecular consequence: frameshift variant.
Genome position (GRCh38, 1-based): chr7:117,559,554, T deleted; the last of 4 consecutive T bases (chr7:117,559,551-117,559,554); deleting any one gives the same sequence. VCF-style (leftmost placement, unchanged base first): chr7-117559550-GT-G. GRCh37 (hg19) VCF-style: chr7-117199604-GT-G.
Other names: c.1483delT, p.Ser495Profs (NM_000492.3); c.1483del (NM_000492.3); short protein forms S495fs.
Identifiers: ClinVar variation 1724124 (VCV001724124.8), dbSNP rs397508215, ClinGen allele CA2580076302.

ClinVar aggregate classification (germline): Pathogenic/Likely pathogenic. Review status: criteria provided, multiple submitters, no conflicts (2 of 4 stars). 3 submissions from 3 submitters: Pathogenic (1); Likely pathogenic (2). Last evaluated 2025-08-05.

Conditions:
CFTR-related disorder (CFTR-RD). Also called: CFTR-related condition; CFTR-related disorders. Identifiers: MedGen C5924204, MONDO:7770004.
Cystic fibrosis (CF). Also called: MUCOVISCIDOSIS. Identifiers: Orphanet 586, MedGen C0010674, MONDO:0009061, OMIM 219700. Disease mechanism: loss of function.

Submissions (3):

Natera, Inc.
Classification: Likely pathogenic for CFTR-related disorders. Last evaluated: 2025-08-05. Review status: criteria provided, single submitter. Criteria: Natera Variant Classification Schema (03/2026). Collection method: clinical testing. Allele origin: germline.
Comment: The c.1483del variant in CFTR is a frameshift variant predicted to shift the reading frame beginning at codon 495 and leads to a stop codon 32 codons downstream. This variant is expected to result in nonsense mediated decay, truncation, or a dysfunctional protein product. This variant is rare in the general population with a frequency below the threshold expected for the associated phenotype(s). Given the available evidence, this variant is classified as Likely Pathogenic.

Labcorp Genetics (formerly Invitae), Labcorp
Classification: Pathogenic for Cystic fibrosis. Last evaluated: 2022-05-06. Review status: criteria provided, single submitter. Criteria: Invitae Variant Classification Sherloc (09022015). Collection method: clinical testing. Allele origin: germline.
Comment: For these reasons, this variant has been classified as Pathogenic. This sequence change creates a premature translational stop signal (p.Ser495Profs*32) in the CFTR gene. It is expected to result in an absent or disrupted protein product. Loss-of-function variants in CFTR are known to be pathogenic (PMID: 1695717, 7691345, 9725922). This variant is not present in population databases (gnomAD no frequency). This variant has not been reported in the literature in individuals affected with CFTR-related conditions.

Myriad Genetics, Inc.
Classification: Likely pathogenic for Cystic fibrosis. Last evaluated: 2022-01-25. Review status: criteria provided, single submitter. Criteria: Myriad Women's Health Autosomal Recessive and X-Linked Classification Criteria (2021). Collection method: clinical testing. Allele origin: unknown.
Comment: NM_000492.3(CFTR):c.1483delT(S495Pfs*32) is expected to be pathogenic in the context of cystic fibrosis. This variant is predicted to lead to an abnormal or absent protein product due to the creation of a premature termination codon in CFTR, a gene where loss-of-function variants are known to be pathogenic. Please note: this variant was assessed in the context of healthy population screening.

Literature cited by the submitters: PubMed 1695717 (cited by Labcorp Genetics (formerly Invitae), Labcorp); PubMed 7691345 (cited by Labcorp Genetics (formerly Invitae), Labcorp); PubMed 9725922 (cited by Labcorp Genetics (formerly Invitae), Labcorp).